The following is an entry in ClinVar:

ClinVar aggregate classification (germline): Likely pathogenic. Review status: criteria provided, multiple submitters, no conflicts (2 of 4 stars). 2 submissions from 2 submitters: Likely pathogenic (2). Last evaluated 2023-05-01.

Conditions:
ADGRV1-related disorder. Also called: ADGRV1-related condition; ADGRV1-related disorders.

Allele frequency attached by ClinVar (database versions not stated): gnomAD 0.00001.
gnomAD v4.1: 1 of 1,543,774 alleles (0.000065%); highest among the groups gnomAD compares: Non-Finnish European, 0.000087%; no homozygotes.

Submissions (2):

Labcorp Genetics (formerly Invitae), Labcorp
Classification: Likely pathogenic. Last evaluated: 2023-05-01. Review status: criteria provided, single submitter. Criteria: Invitae Variant Classification Sherloc (09022015). Collection method: clinical testing. Allele origin: germline.
Comment: In summary, the currently available evidence indicates that the variant is pathogenic, but additional data are needed to prove that conclusively. Therefore, this variant has been classified as Likely Pathogenic. Algorithms developed to predict the effect of sequence changes on RNA splicing suggest that this variant may disrupt the consensus splice site. This variant has not been reported in the literature in individuals affected with ADGRV1-related conditions. This variant is present in population databases (no rsID available, gnomAD 0.007%). This sequence change affects an acceptor splice site in intron 73 of the ADGRV1 gene. It is expected to disrupt RNA splicing. Variants that disrupt the donor or acceptor splice site typically lead to a loss of protein function (PMID: 16199547), and loss-of-function variants in ADGRV1 are known to be pathogenic (PMID: 19357117, 22135276, 22147658, 26226137, 30718709, 31047384, 32467589).

Blueprint Genetics
Classification: Likely pathogenic for ADGRV1-related disorders. Last evaluated: 2022-08-15. Review status: criteria provided, single submitter. Criteria: ACMG Guidelines, 2015. Collection method: clinical testing. Allele origin: germline. Affected: yes. Observed: 2 variant alleles.

Literature cited by the submitters: PubMed 16199547 (cited by Labcorp Genetics (formerly Invitae), Labcorp); PubMed 19357117 (cited by Labcorp Genetics (formerly Invitae), Labcorp); PubMed 22135276 (cited by Labcorp Genetics (formerly Invitae), Labcorp); PubMed 22147658 (cited by Labcorp Genetics (formerly Invitae), Labcorp); PubMed 26226137 (cited by Labcorp Genetics (formerly Invitae), Labcorp); PubMed 30718709 (cited by Labcorp Genetics (formerly Invitae), Labcorp); PubMed 31047384 (cited by Labcorp Genetics (formerly Invitae), Labcorp); PubMed 32467589 (cited by Labcorp Genetics (formerly Invitae), Labcorp).

NM_032119.4(ADGRV1):c.14973-1G>A

Gene: ADGRV1 (adhesion G protein-coupled receptor V1; plus strand). Cytogenetic location: 5q14.3.
Variant type: single nucleotide variant.
Coding change: c.14973-1G>A on transcript NM_032119.4 (MANE Select); the canonical splice acceptor site of the intron before coding-DNA position 14973, G replaced by A.
Molecular consequence: splice acceptor variant.
Genome position (GRCh38, 1-based): chr5:90,810,232, G>A. VCF-style: chr5-90810232-G-A. GRCh37 (hg19) VCF-style: chr5-90106049-G-A.
Identifiers: ClinVar variation 2876128 (VCV002876128.4), dbSNP rs1484257921, ClinGen allele CA360407016.